The following is an entry in ClinVar:

NM_000059.4(BRCA2):c.9501+4A>G

Gene: BRCA2 (BRCA2 DNA repair associated; plus strand). Cytogenetic location: 13q13.1.
Variant type: single nucleotide variant.
Coding change: c.9501+4A>G on transcript NM_000059.4 (MANE Select); 4 bases into the intron after coding-DNA position 9501, A replaced by G.
Molecular consequence: intron variant.
Genome position (GRCh38, 1-based): chr13:32,394,937, A>G. VCF-style: chr13-32394937-A-G. GRCh37 (hg19) VCF-style: chr13-32969074-A-G.
Other names: IVS25+4A>G.
Identifiers: ClinVar variation 52854 (VCV000052854.32), dbSNP rs81002848, ClinGen allele CA026184.

ClinVar aggregate classification (germline): Conflicting classifications of pathogenicity. Review status: criteria provided, conflicting classifications (1 of 4 stars). 14 submissions from 14 submitters: Uncertain significance (3); Benign (1); Likely benign (6). 4 of the submissions do not count toward it. Last evaluated 2025-10-26.

Conditions:
Hereditary cancer-predisposing syndrome. Also called: Neoplastic Syndromes, Hereditary; Tumor predisposition; Hereditary neoplastic syndrome; Hereditary Cancer Syndrome. Identifiers: Orphanet 140162, MedGen C0027672, MeSH D009386, MONDO:0015356.
Hereditary breast ovarian cancer syndrome. Also called: Hereditary breast and ovarian cancer syndrome; Hereditary breast and ovarian cancer; Hereditary breast and ovarian cancer syndrome (HBOC); Breast and ovarian cancer; Hereditary breast and/or ovarian cancer syndrome; BRCA1- and BRCA2-Associated Hereditary Breast and Ovarian Cancer. Identifiers: Orphanet 145, MedGen C0677776, MeSH D061325, MONDO:0003582. Disease mechanism: loss of function.
BRCA2-related disorder. Also called: BRCA2-related condition; BRCA2-related disorders. Identifiers: MedGen CN239275.
Familial pancreatic carcinoma. Identifiers: Orphanet 1333, MedGen C2931038, MONDO:0015278, OMIM 260350.
Breast-ovarian cancer, familial, susceptibility to, 2 (BROVCA2). Also called: BRCA2 Hereditary Breast and Ovarian Cancer. Identifiers: Orphanet 145, MedGen C2675520, MONDO:0012933, OMIM 612555. Disease mechanism: loss of function.

Allele frequency attached by ClinVar (database versions not stated): ExAC 0.00001; gnomAD exomes 0.00001; gnomAD 0.00002; TOPMed 0.00002.
gnomAD v4.1: 21 of 1,613,888 alleles (0.0013%); highest among the groups gnomAD compares: Non-Finnish European, 0.0018%; no homozygotes.

Submissions (14):

Labcorp Genetics (formerly Invitae), Labcorp
Classification: Likely benign for Hereditary breast ovarian cancer syndrome. Last evaluated: 2025-10-26. Review status: criteria provided, single submitter. Criteria: Invitae Variant Classification Sherloc (09022015). Collection method: clinical testing. Allele origin: germline.

Molecular Diagnostics Laboratory, Catalan Institute of Oncology
Classification: Benign for Hereditary cancer-predisposing syndrome. Last evaluated: 2025-04-08. Review status: criteria provided, single submitter. Criteria: ClinGen BRCA1BRCA2 ACMG Specifications BRCA2 V1.0.0. Collection method: clinical testing. Allele origin: germline.
Comment: BP4, BP5_strong, BP7_strong BRCA2 c.9501+4A>G is an intronic variant located close to a canonical splice site. This variant is found in 3/236528 alleles at a frequency of 0.0012% in the gnomAD v2.1.1 database, non-cancer dataset. The SpliceAI algorithm predicts no significant impact on splicing (BP4). Functional studies have shown that this variant does not disrupt mRNA splicing (PMID: 21673748, 22505045, 31343793) (BP7_Strong). This alteration was classified as a likely benign variant in a multifactorial likelihood analysis showing a Combined LR for clinical data indicative of strong evidence towards benign (LR 0.00724), based on co-segregation LR 0.0037, tumor pathology LR 0.69, co-occurrence LR 1.157 and family history LR 2.452 (PMID: 31131967) (BP5_Strong). It has been reported in ClinVar (1x B, 8x LB, 3x VUS), LOVD (1x B, 1x LB, 2x VUS, 1x NA) and BRCA Exchange. Based on the currently available information, c.9501+4A>G is classified as a benign variant according to ClinGen-BRCA2 Guidelines version 1.

Center for Genomic Medicine, Rigshospitalet, Copenhagen University Hospital
Classification: Uncertain significance. Last evaluated: 2025-03-04. Review status: criteria provided, single submitter. Criteria: ACMG Guidelines, 2015. Collection method: clinical testing. Allele origin: germline.

Quest Diagnostics Nichols Institute San Juan Capistrano
Classification: Uncertain significance. Last evaluated: 2024-08-29. Review status: criteria provided, single submitter. Criteria: Quest Diagnostics criteria. Collection method: clinical testing. Allele origin: unknown.
Comment: The BRCA2 c.9501+4A>G variant has been reported in the published literature in individuals with a personal and/or family history of BRCA2-related cancers (PMID: 37415649 (2023), 32599251 (2020), 31343793 (2019), 22505045 (2012), 21120943 (2011)). Functional studies demonstrated that this variant does not disrupt mRNA splicing (PMID: 31343793 (2019), 22505045 (2012), 21673748 (2011)). The frequency of this variant in the general population, 0.000012 (3/251052 chromosomes (Genome Aggregation Database)), is uninformative in the assessment of its pathogenicity. Analysis of this variant using software algorithms for the prediction of the effect of nucleotide changes on splicing yielded predictions that this variant may affect proper BRCA2 mRNA splicing. Based on the available information, we are unable to determine the clinical significance of this variant.

All of Us Research Program, National Institutes of Health
Classification: Likely benign for Breast-ovarian cancer, familial, susceptibility to, 2. Last evaluated: 2023-12-18. Review status: criteria provided, single submitter. Criteria: ACMG Guidelines, 2015. Collection method: clinical testing. Allele origin: germline. Inheritance: Autosomal dominant inheritance. Observed: 3 variant alleles, 3 heterozygotes.
Comment: This study involves interpretation of variants in research participants for the purpose of population health screening. Participant phenotype was not available at the time of variant classification. Additional details can be found in publication PMID: 35346344, PMCID: PMC8962531

Department of Pathology and Laboratory Medicine, Sinai Health System
Classification: Uncertain significance for Familial pancreatic carcinoma. Last evaluated: 2022-04-28. Review status: criteria provided, single submitter. Criteria: ACMG Guidelines, 2015. Collection method: clinical testing. Allele origin: germline. Affected: yes.

Sema4
Classification: Likely benign for Hereditary cancer-predisposing syndrome. Last evaluated: 2022-01-25. Review status: criteria provided, single submitter. Criteria: Sema4 Curation Guidelines. Collection method: curation. Allele origin: germline.

Color Diagnostics, LLC DBA Color Health
Classification: Likely benign for Hereditary cancer-predisposing syndrome. Last evaluated: 2018-05-16. Review status: criteria provided, single submitter. Criteria: ACMG Guidelines, 2015. Collection method: clinical testing. Allele origin: germline.

GeneDx
Classification: Likely benign. Last evaluated: 2018-03-12. Review status: criteria provided, single submitter. Criteria: GeneDx Variant Classification (06012015). Collection method: clinical testing. Allele origin: germline. Affected: yes.
Comment: This variant is considered likely benign or benign based on one or more of the following criteria: it is a conservative change, it occurs at a poorly conserved position in the protein, it is predicted to be benign by multiple in silico algorithms, and/or has population frequency not consistent with disease.

Ambry Genetics
Classification: Likely benign for Hereditary cancer-predisposing syndrome. Last evaluated: 2017-06-02. Review status: criteria provided, single submitter. Criteria: Ambry Variant Classification Scheme 2023. Collection method: clinical testing. Allele origin: germline.

PreventionGenetics, part of Exact Sciences
Classification: Likely benign for BRCA2-related condition. Last evaluated: 2023-09-13. Review status: no assertion criteria provided. Collection method: clinical testing. Allele origin: germline. Not counted in ClinVar's aggregate classification.
Comment: This variant is classified as likely benign based on ACMG/AMP sequence variant interpretation guidelines (Richards et al. 2015 PMID: 25741868, with internal and published modifications).

Hereditary Cancer Genetics group, Vall d'Hebron Institute of Oncology
Classification: Benign for Hereditary breast and ovarian cancer syndrome. Last evaluated: 2019-03-01. Review status: no assertion criteria provided. Collection method: research. Allele origin: germline. Affected: yes. Not counted in ClinVar's aggregate classification.

Counsyl
Classification: Likely benign for Breast-ovarian cancer, familial, susceptibility to, 2. Last evaluated: 2016-05-25. Review status: no assertion criteria provided. Collection method: clinical testing. Allele origin: unknown. Not counted in ClinVar's aggregate classification.

Breast Cancer Information Core (BIC) (BRCA2)
Classification: Uncertain significance for Breast-ovarian cancer, familial 2. Last evaluated: 2004-02-20. Review status: no assertion criteria provided. Collection method: clinical testing. Allele origin: germline. Affected: yes. Observed: 2 variant alleles. Not counted in ClinVar's aggregate classification.

Literature cited by the submitters: PubMed 21673748 (cited by Quest Diagnostics Nichols Institute San Juan Capistrano and Counsyl); PubMed 21120943 (cited by Quest Diagnostics Nichols Institute San Juan Capistrano and Counsyl); PubMed 22505045 (cited by Quest Diagnostics Nichols Institute San Juan Capistrano and Counsyl); PubMed 32599251 (cited by Quest Diagnostics Nichols Institute San Juan Capistrano); PubMed 31343793 (cited by Quest Diagnostics Nichols Institute San Juan Capistrano); PubMed 37415649 (cited by Quest Diagnostics Nichols Institute San Juan Capistrano); PubMed 30472649 (cited by Hereditary Cancer Genetics group, Vall d'Hebron Institute of Oncology).